The following is an entry in ClinVar:

ClinVar aggregate classification (germline): Likely pathogenic (0 of 4 stars; one submission).

Conditions:
GJA1-related disorder. Also called: GJA1-related condition.

Submission:

PreventionGenetics, part of Exact Sciences
Classification: Likely pathogenic for GJA1-related condition. Last evaluated: 2024-04-12. Review status: no assertion criteria provided. Collection method: clinical testing. Allele origin: germline.
Comment: The GJA1 c.221A>C variant is predicted to result in the amino acid substitution p.His74Pro. This variant has been reported as arising de novo in an individual with oculodentodigital dysplasia (Choi et al. 2018. PubMed ID: 30610049). This variant has not been reported in a large population database, indicating this variant is rare. This variant is interpreted as likely pathogenic.

NM_000165.5(GJA1):c.221A>C (p.His74Pro)

Gene: GJA1 (gap junction protein alpha 1; plus strand). Cytogenetic location: 6q22.31.
Variant type: single nucleotide variant.
Coding change: c.221A>C on transcript NM_000165.5 (MANE Select); coding-DNA position 221, A replaced by C.
Protein change: p.His74Pro; replaces histidine 74 with proline.
Molecular consequence: missense variant.
Genome position (GRCh38, 1-based): chr6:121,447,068, A>C. VCF-style: chr6-121447068-A-C. GRCh37 (hg19) VCF-style: chr6-121768214-A-C.
Other names: short protein forms H74P.
Identifiers: ClinVar variation 3347186 (VCV003347186.1).